The following is an entry in ClinVar:

NM_001256007.3(PNPLA8):c.1359-13A>G

Gene: PNPLA8 (patatin like domain 8, phospholipase A2; minus strand). Cytogenetic location: 7q31.1.
Variant type: single nucleotide variant.
Coding change: c.1359-13A>G on transcript NM_001256007.3 (MANE Select); 13 bases into the intron before coding-DNA position 1359, A replaced by G.
Molecular consequence: intron variant.
Genome position (GRCh38, 1-based): chr7:108,497,590, T>C on the plus strand (A>G on the coding strand, the complement: PNPLA8 is on the minus strand). VCF-style: chr7-108497590-T-C. GRCh37 (hg19) VCF-style: chr7-108138034-T-C.
Other names: c.1059-13A>G (NM_001256011.3, NM_001256010.3); c.1359-13A>G (NM_001256009.3, NM_001256008.3, NM_015723.5).
Identifiers: ClinVar variation 1923074 (VCV001923074.5), dbSNP rs2552114236, ClinGen allele CA2580076216.
Genomic context (GRCh38, chr7:108,497,590, plus strand): 5'-TGAGTAAGTTCAACTAATTTTCGTAGGGTCTGGAGAGCAACCACGCCCCTACAGAAAAGA[T>C]TAAAGACAAAATGACAATTCCTGTTTAAAGAAAAAATAATTTAAGCTGTTGAATAAAACA-3'

ClinVar aggregate classification (germline): Uncertain significance (1 of 4 stars; one submission).

Allele frequency attached by ClinVar (database versions not stated): gnomAD exomes below 0.00001.
gnomAD v4.1: 1 of 1,495,320 alleles (0.000067%); highest among the groups gnomAD compares: East Asian, 0.0024%; no homozygotes.

Submission:

Labcorp Genetics (formerly Invitae), Labcorp
Classification: Uncertain significance. Last evaluated: 2022-08-09. Review status: criteria provided, single submitter. Criteria: Invitae Variant Classification Sherloc (09022015). Collection method: clinical testing. Allele origin: germline.
Comment: In summary, the available evidence is currently insufficient to determine the role of this variant in disease. Therefore, it has been classified as a Variant of Uncertain Significance. Algorithms developed to predict the effect of sequence changes on RNA splicing suggest that this variant may disrupt the consensus splice site. This variant has not been reported in the literature in individuals affected with PNPLA8-related conditions. This variant is not present in population databases (gnomAD no frequency). This sequence change falls in intron 6 of the PNPLA8 gene. It does not directly change the encoded amino acid sequence of the PNPLA8 protein.